The following is an entry in ClinVar:

NM_002471.4(MYH6):c.538_540delinsACA (p.Ser180Thr)

Genes: MYH6 (myosin heavy chain 6; minus strand), LOC114827851 (VISTA enhancer hs2155; plus strand). Cytogenetic location: 14q11.2.
Variant type: Indel.
Coding change: c.538_540delinsACA on transcript NM_002471.4 (MANE Select); coding-DNA positions 538 to 540, TCC replaced by ACA.
Protein change: p.Ser180Thr; replaces serine 180 with threonine.
Molecular consequence: missense variant.
Genome position (GRCh38, 1-based): chr14:23,404,813-23,404,815, GGA replaced by TGT on the plus strand (TCC replaced by ACA on the coding strand, the reverse complement: MYH6 is on the minus strand). VCF-style: chr14-23404813-GGA-TGT. GRCh37 (hg19) VCF-style: chr14-23874022-GGA-TGT.
Other names: c.538_540delTCCinsACA, p.Ser180Thr (NM_002471.3); short protein forms S180T.
Identifiers: ClinVar variation 4072523 (VCV004072523.1).
Genomic context (GRCh38, chr14:23,404,813, plus strand): 5'-GGCTGCAATGCTGGCAAAGTACTGGATGACACGCTTGGTGTTCACAGTCTTCCCCGCCCC[GGA>TGT]TTCTCCCCTGGGGGCCACAGAGACCAATCAAAACTCAGGATTCCTACTGTTCTCCATACA-3'
Protein context (NP_002462.2, residues 170-190): ENQSILITGE[Ser180Thr]GAGKTVNTKR

ClinVar aggregate classification (germline): Uncertain significance (1 of 4 stars; one submission).

Submission:

GeneDx
Classification: Uncertain significance. Last evaluated: 2025-01-26. Review status: criteria provided, single submitter. Criteria: GeneDx Variant Classification Process June 2021. Collection method: clinical testing. Allele origin: germline. Affected: yes.
Comment: Not observed at significant frequency in large population cohorts (gnomAD); In silico analysis supports a deleterious effect on protein structure/function; Has not been previously published as pathogenic or benign to our knowledge